The following is an entry in ClinVar:

ClinVar aggregate classification (germline): Pathogenic/Likely pathogenic. Review status: criteria provided, multiple submitters, no conflicts (2 of 4 stars). 6 submissions from 6 submitters: Pathogenic (4); Likely pathogenic (2). Last evaluated 2026-05-06.

Conditions:
Low phospholipid associated cholelithiasis (GBD1). Also called: Gallstone cholecystitis; Gallbladder disease 1. Identifiers: Orphanet 69663, MedGen C2609268, MONDO:0010939, OMIM 600803.
Familial intrahepatic cholestasis. Identifiers: Orphanet 284385, MedGen CN296401, MONDO:0017290.
ABCB4-related disorder. Also called: ABCB4-related disorders; ABCB4-related condition.
Progressive familial intrahepatic cholestasis type 3. Also called: MDR3 DEFICIENCY; Low Gamma-GT Familial Intrahepatic Cholestasis. Identifiers: Orphanet 79305, MedGen C1865643, MONDO:0011214, OMIM 602347.

Allele frequency attached by ClinVar (database versions not stated): gnomAD exomes below 0.00001; ExAC 0.00001; gnomAD 0.00001; TOPMed 0.00002.

Submissions (6):

PreventionGenetics, part of Exact Sciences
Classification: Pathogenic for ABCB4-related condition. Last evaluated: 2026-05-06. Review status: criteria provided, single submitter. Criteria: ACMG Guidelines, 2015. Collection method: clinical testing. Allele origin: germline.
Comment: The ABCB4 c.1216C>T variant is predicted to result in premature protein termination (p.Arg406*). This variant was reported in the homozygous state in a patient with liver cirrhosis (Chen et al. 2019. PubMed ID: 30366773). This variant is reported in 0.012% of alleles in individuals of African descent in gnomAD. Nonsense variants in ABCB4 are expected to be pathogenic. This variant is interpreted as pathogenic.

Genomenon, Inc
Classification: Likely pathogenic for Familial intrahepatic cholestasis; Low phospholipid associated cholelithiasis. Last evaluated: 2026-04-14. Review status: criteria provided, single submitter. Criteria: Genomenon Sequence Variant Interpretation Standards - Updated. Collection method: curation. Allele origin: germline. Affected: no.
Comment: ABCB4 p.Arg406Ter (c.1216C>T) is a nonsense variant that introduces a premature stop codon at amino acid position 406, creating a truncated protein that is predicted to undergo nonsense-mediated mRNA decay. This variant has been reported in the published literature (PMID:30366773). It is absent or not present at a significant frequency in gnomAD. In conclusion, we classify ABCB4 p.Arg406Ter (c.1216C>T) as a likely pathogenic variant.

Baylor Genetics
Classification: Pathogenic for Progressive familial intrahepatic cholestasis type 3. Last evaluated: 2024-01-11. Review status: criteria provided, single submitter. Criteria: ACMG Guidelines, 2015. Collection method: clinical testing. Allele origin: unknown.

Labcorp Genetics (formerly Invitae), Labcorp
Classification: Pathogenic. Last evaluated: 2023-11-20. Review status: criteria provided, single submitter. Criteria: Invitae Variant Classification Sherloc (09022015). Collection method: clinical testing. Allele origin: germline.
Comment: This sequence change creates a premature translational stop signal (p.Arg406*) in the ABCB4 gene. It is expected to result in an absent or disrupted protein product. Loss-of-function variants in ABCB4 are known to be pathogenic (PMID: 17726488, 25755532). This variant is present in population databases (rs753420538, gnomAD 0.01%). This premature translational stop signal has been observed in individual(s) with ABCB4-related conditions (PMID: 30366773). Algorithms developed to predict the effect of sequence changes on RNA splicing suggest that this variant may disrupt the consensus splice site. For these reasons, this variant has been classified as Pathogenic.

Blueprint Genetics
Classification: Likely pathogenic for ABCB4-related disorders. Last evaluated: 2022-09-15. Review status: criteria provided, single submitter. Criteria: ACMG Guidelines, 2015. Collection method: clinical testing. Allele origin: germline. Affected: yes. Observed: 1 variant allele.

Mayo Clinic Laboratories, Mayo Clinic
Classification: Pathogenic. Last evaluated: 2022-08-24. Review status: criteria provided, single submitter. Criteria: ACMG Guidelines, 2015. Collection method: clinical testing. Allele origin: germline. Observed: 1 variant allele.
Comment: PM2, PM3_supporting, PVS1

Literature cited by the submitters: PubMed 30366773 (cited by 3 submitters); PubMed 17726488 (cited by Labcorp Genetics (formerly Invitae), Labcorp); PubMed 25755532 (cited by Labcorp Genetics (formerly Invitae), Labcorp).

NM_000443.4(ABCB4):c.1216C>T (p.Arg406Ter)

Gene: ABCB4 (ATP binding cassette subfamily B member 4; minus strand). Cytogenetic location: 7q21.12.
Variant type: single nucleotide variant.
Coding change: c.1216C>T on transcript NM_000443.4 (MANE Select); coding-DNA position 1216, C replaced by T.
Protein change: p.Arg406Ter; replaces arginine 406 with a stop codon.
Molecular consequence: nonsense.
Genome position (GRCh38, 1-based): chr7:87,443,677, G>A on the plus strand (C>T on the coding strand, the complement: ABCB4 is on the minus strand). VCF-style: chr7-87443677-G-A. GRCh37 (hg19) VCF-style: chr7-87072993-G-A.
Other names: p.Arg406*; c.1216C>T, p.Arg406Ter (NM_018849.3, NM_018850.3); short protein forms R406*.
Identifiers: ClinVar variation 2628376 (VCV002628376.11), dbSNP rs753420538, ClinGen allele CA4327361.